The following is an entry in ClinVar:

ClinVar aggregate classification (germline): Uncertain significance (1 of 4 stars; one submission).

Conditions:
Primary ciliary dyskinesia. Also called: Ciliary dyskinesia. Identifiers: Orphanet 244, MedGen C0008780, MONDO:0016575, HP:0012265.

Allele frequency attached by ClinVar (database versions not stated): TOPMed 0.00001; gnomAD 0.00003.
gnomAD v4.1: 4 of 1,605,616 alleles (0.00025%); highest among the groups gnomAD compares: Non-Finnish European, 0.00034%; no homozygotes.

Submission:

Labcorp Genetics (formerly Invitae), Labcorp
Classification: Uncertain significance for Primary ciliary dyskinesia. Last evaluated: 2022-10-02. Review status: criteria provided, single submitter. Criteria: Invitae Variant Classification Sherloc (09022015). Collection method: clinical testing. Allele origin: germline.
Comment: In summary, the available evidence is currently insufficient to determine the role of this variant in disease. Therefore, it has been classified as a Variant of Uncertain Significance. Algorithms developed to predict the effect of missense changes on protein structure and function are either unavailable or do not agree on the potential impact of this missense change (SIFT: "Deleterious"; PolyPhen-2: "Not Available"; Align-GVGD: "Class C0"). ClinVar contains an entry for this variant (Variation ID: 454546). This variant has not been reported in the literature in individuals affected with DNAH8-related conditions. The frequency data for this variant in the population databases is considered unreliable, as metrics indicate poor data quality at this position in the gnomAD database. This sequence change replaces arginine, which is basic and polar, with leucine, which is neutral and non-polar, at codon 434 of the DNAH8 protein (p.Arg434Leu).

NM_001206927.2(DNAH8):c.1301G>T (p.Arg434Leu)

Gene: DNAH8 (dynein axonemal heavy chain 8; plus strand). Cytogenetic location: 6p21.2.
Variant type: single nucleotide variant.
Coding change: c.1301G>T on transcript NM_001206927.2 (MANE Select); coding-DNA position 1301, G replaced by T.
Protein change: p.Arg434Leu; replaces arginine 434 with leucine.
Molecular consequence: missense variant.
Genome position (GRCh38, 1-based): chr6:38,750,483, G>T. VCF-style: chr6-38750483-G-T. GRCh37 (hg19) VCF-style: chr6-38718259-G-T.
Other names: c.650G>T, p.Arg217Leu (NM_001371.4); short protein forms R434L, R217L.
Identifiers: ClinVar variation 454546 (VCV000454546.9), dbSNP rs754133293, ClinGen allele CA3788195.